The following is an entry in ClinVar:

ClinVar aggregate classification (germline): Uncertain significance (1 of 4 stars; one submission).

gnomAD v4.1: 4 of 1,613,622 alleles (0.00025%); highest among the groups gnomAD compares: East Asian, 0.0022%; no homozygotes.

Submission:

Women's Health and Genetics/Laboratory Corporation of America, LabCorp
Classification: Uncertain significance. Last evaluated: 2026-01-26. Review status: criteria provided, single submitter. Criteria: LabCorp Variant Classification Summary - May 2015. Collection method: clinical testing. Allele origin: germline.
Comment: Variant summary: COL5A1 c.1996G>A (p.Asp666Asn) results in a conservative amino acid change in the encoded protein sequence. Algorithms developed to predict the effect of missense changes on protein structure and function are either unavailable or do not agree on the potential impact of this missense change. The variant allele was found at a frequency of 4e-06 in 251084 control chromosomes. The available data on variant occurrences in the general population are insufficient to allow any conclusion about variant significance. To our knowledge, no occurrence of c.1996G>A in individuals affected with COL5A1-related conditions and no experimental evidence demonstrating its impact on protein function have been reported. No submitters have cited clinical-significance assessments for this variant to ClinVar. Based on the evidence outlined above, the variant was classified as uncertain significance.

NM_000093.5(COL5A1):c.1996G>A (p.Asp666Asn)

Gene: COL5A1 (collagen type V alpha 1 chain; plus strand). Cytogenetic location: 9q34.3.
Variant type: single nucleotide variant.
Coding change: c.1996G>A on transcript NM_000093.5 (MANE Select); coding-DNA position 1996, G replaced by A.
Protein change: p.Asp666Asn; replaces aspartic acid 666 with asparagine.
Molecular consequence: missense variant.
Genome position (GRCh38, 1-based): chr9:134,763,699, G>A. VCF-style: chr9-134763699-G-A. GRCh37 (hg19) VCF-style: chr9-137655545-G-A.
Other names: c.1996G>A, p.Asp666Asn (NM_001278074.1); short protein forms D666N.
Identifiers: ClinVar variation 4689722 (VCV004689722.1).